The following is an entry in ClinVar:

ClinVar aggregate classification (germline): Uncertain significance (1 of 4 stars; one submission).

Conditions:
Inborn genetic diseases. Identifiers: MedGen C0950123, MeSH D030342.

gnomAD v4.1: 1 of 1,613,992 alleles (0.000062%); highest among the groups gnomAD compares: Non-Finnish European, 0.000085%; no homozygotes.

Submission:

Ambry Genetics
Classification: Uncertain significance for Inborn genetic diseases. Last evaluated: 2025-08-22. Review status: criteria provided, single submitter. Criteria: Ambry Variant Classification Scheme 2023. Collection method: clinical testing. Allele origin: germline.
Comment: The p.V363D variant (also known as c.1088T>A), located in coding exon 9 of the CEP57 gene, results from a T to A substitution at nucleotide position 1088. The valine at codon 363 is replaced by aspartic acid, an amino acid with highly dissimilar properties. This amino acid position is conserved. In addition, this alteration is predicted to be deleterious by in silico analysis. Based on the available evidence, the clinical significance of this variant remains unclear.

NM_014679.5(CEP57):c.1088T>A (p.Val363Asp)

Gene: CEP57 (centrosomal protein 57; plus strand). Cytogenetic location: 11q21.
Variant type: single nucleotide variant.
Coding change: c.1088T>A on transcript NM_014679.5 (MANE Select); coding-DNA position 1088, T replaced by A.
Protein change: p.Val363Asp; replaces valine 363 with aspartic acid.
Molecular consequence: missense variant.
Genome position (GRCh38, 1-based): chr11:95,827,988, T>A. VCF-style: chr11-95827988-T-A. GRCh37 (hg19) VCF-style: chr11-95561152-T-A.
Other names: c.1061T>A, p.Val354Asp (NM_001243776.2); c.1010T>A, p.Val337Asp (NM_001243777.2); c.1007T>A, p.Val336Asp (NM_001363604.2, NM_001440869.1, NM_001440870.1); c.980T>A, p.Val327Asp (NM_001440871.1); c.971T>A, p.Val324Asp (NM_001440872.1); c.908T>A, p.Val303Asp (NM_001440873.1); c.902T>A, p.Val301Asp (NM_001440874.1); c.899T>A, p.Val300Asp (NM_001440875.1); and 6 more; short protein forms V264D, V297D, V303D, V363D, V298D, V336D, V354D, V262D.
Identifiers: ClinVar variation 4226387 (VCV004226387.1).